The following is an entry in ClinVar:

NM_212482.4(FN1):c.6767G>A (p.Gly2256Asp)

Gene: FN1 (fibronectin 1; minus strand). Cytogenetic location: 2q35.
Variant type: single nucleotide variant.
Coding change: c.6767G>A on transcript NM_212482.4 (MANE Select); coding-DNA position 6767, G replaced by A.
Protein change: p.Gly2256Asp; replaces glycine 2256 with aspartic acid.
Molecular consequence: missense variant.
Genome position (GRCh38, 1-based): chr2:215,370,380, C>T on the plus strand (G>A on the coding strand, the complement: FN1 is on the minus strand). VCF-style: chr2-215370380-C-T. GRCh37 (hg19) VCF-style: chr2-216235103-C-T.
Other names: c.6674G>A, p.Gly2225Asp (NM_001306129.2); c.6137G>A, p.Gly2046Asp (NM_001306130.2); c.6131G>A, p.Gly2044Asp (NM_001306131.2); c.6056G>A, p.Gly2019Asp (NM_001306132.2); c.6497G>A, p.Gly2166Asp (NM_001365517.2); c.6494G>A, p.Gly2165Asp (NM_001365518.2); c.6422G>A, p.Gly2141Asp (NM_001365519.2); c.6419G>A, p.Gly2140Asp (NM_001365520.2); and 8 more; short protein forms G2166D, G1955D, G2044D, G2046D, G2050D, G2075D, G2165D, G2019D.
Identifiers: ClinVar variation 2860313 (VCV002860313.3), dbSNP rs778284145, ClinGen allele CA2093764.
Genomic context (GRCh38, chr2:215,370,380, plus strand): 5'-TCCCGAACCTTATGCCTCTGCTGGTCTTTCAGTGCCTCCACTATGACGTTGTAGGTGGCA[C>T]CTCTGGTGAGGCCTGTCAGAGTGGCACTGGTAGAAGTTCCAGGAACCCTGAACTGCAATT-3'
Protein context (NP_997647.2, residues 2246-2266): TSATLTGLTR[Gly2256Asp]ATYNVIVEAL

ClinVar aggregate classification (germline): Uncertain significance (1 of 4 stars; one submission).

Allele frequency attached by ClinVar (database versions not stated): gnomAD exomes below 0.00001; TOPMed below 0.00001; ExAC 0.00001.
gnomAD v4.1: 6 of 1,613,746 alleles (0.00037%); highest among the groups gnomAD compares: Admixed American, 0.0067%; no homozygotes.

Submission:

Labcorp Genetics (formerly Invitae), Labcorp
Classification: Uncertain significance. Last evaluated: 2023-12-02. Review status: criteria provided, single submitter. Criteria: Invitae Variant Classification Sherloc (09022015). Collection method: clinical testing. Allele origin: germline.
Comment: This sequence change replaces glycine, which is neutral and non-polar, with aspartic acid, which is acidic and polar, at codon 2256 of the FN1 protein (p.Gly2256Asp). This variant is present in population databases (rs778284145, gnomAD 0.009%). This variant has not been reported in the literature in individuals affected with FN1-related conditions. An algorithm developed to predict the effect of missense changes on protein structure and function (PolyPhen-2) suggests that this variant is likely to be disruptive. In summary, the available evidence is currently insufficient to determine the role of this variant in disease. Therefore, it has been classified as a Variant of Uncertain Significance.